The following is an entry in ClinVar:

ClinVar aggregate classification (germline): Uncertain significance. Review status: criteria provided, multiple submitters, no conflicts (2 of 4 stars). 2 submissions from 2 submitters: Uncertain significance (2). Last evaluated 2024-03-08.

Conditions:
Hereditary cancer-predisposing syndrome. Also called: Neoplastic Syndromes, Hereditary; Tumor predisposition; Hereditary neoplastic syndrome; Hereditary Cancer Syndrome. Identifiers: Orphanet 140162, MedGen C0027672, MeSH D009386, MONDO:0015356.
Renal cell carcinoma. Identifiers: Orphanet 217071, MedGen C0007134, MeSH D002292, MONDO:0005086, HP:0005584.

Allele frequency attached by ClinVar (database versions not stated): gnomAD exomes below 0.00001.

Submissions (2):

Ambry Genetics
Classification: Uncertain significance for Hereditary cancer-predisposing syndrome. Last evaluated: 2024-03-08. Review status: criteria provided, single submitter. Criteria: Ambry Variant Classification Scheme 2023. Collection method: clinical testing. Allele origin: germline.
Comment: The p.L130F variant (also known as c.388C>T), located in coding exon 1 of the MET gene, results from a C to T substitution at nucleotide position 388. The leucine at codon 130 is replaced by phenylalanine, an amino acid with highly similar properties. This amino acid position is highly conserved in available vertebrate species. In addition, the in silico prediction for this alteration is inconclusive. Based on the available evidence, the clinical significance of this alteration remains unclear.

Labcorp Genetics (formerly Invitae), Labcorp
Classification: Uncertain significance for Renal cell carcinoma. Last evaluated: 2023-03-27. Review status: criteria provided, single submitter. Criteria: Invitae Variant Classification Sherloc (09022015). Collection method: clinical testing. Allele origin: germline.
Comment: In summary, the available evidence is currently insufficient to determine the role of this variant in disease. Therefore, it has been classified as a Variant of Uncertain Significance. Advanced modeling of protein sequence and biophysical properties (such as structural, functional, and spatial information, amino acid conservation, physicochemical variation, residue mobility, and thermodynamic stability) performed at Invitae indicates that this missense variant is expected to disrupt MET protein function. ClinVar contains an entry for this variant (Variation ID: 824341). This variant has not been reported in the literature in individuals affected with MET-related conditions. This variant is not present in population databases (gnomAD no frequency). This sequence change replaces leucine, which is neutral and non-polar, with phenylalanine, which is neutral and non-polar, at codon 130 of the MET protein (p.Leu130Phe).

NM_000245.4(MET):c.388C>T (p.Leu130Phe)

Gene: MET (MET proto-oncogene, receptor tyrosine kinase; plus strand). Cytogenetic location: 7q31.2.
Variant type: single nucleotide variant.
Coding change: c.388C>T on transcript NM_000245.4 (MANE Select); coding-DNA position 388, C replaced by T.
Protein change: p.Leu130Phe; replaces leucine 130 with phenylalanine.
Molecular consequence: missense variant. On other transcripts: intron variant (1).
Genome position (GRCh38, 1-based): chr7:116,699,472, C>T. VCF-style: chr7-116699472-C-T. GRCh37 (hg19) VCF-style: chr7-116339526-C-T.
Other names: c.388C>T, p.Leu130Phe (NM_001127500.3, NM_001324401.3); c.-91+26895C>T (NM_001324402.2); short protein forms L130F.
Identifiers: ClinVar variation 824341 (VCV000824341.7), dbSNP rs1584876640, ClinGen allele CA368968970.
Genomic context (GRCh38, chr7:116,699,472, plus strand): 5'-GGTGTTTGGAAAGATAACATCAACATGGCTCTAGTTGTCGACACCTACTATGATGATCAA[C>T]TCATTAGCTGTGGCAGCGTCAACAGAGGGACCTGCCAGCGACATGTCTTTCCCCACAATC-3'
Protein context (NP_000236.2, residues 120-140): LVVDTYYDDQ[Leu130Phe]ISCGSVNRGT